The following is an entry in ClinVar:

NM_001018115.3(FANCD2):c.2732A>G (p.Glu911Gly)

Genes: FANCD2 (FA complementation group D2; plus strand), LOC107303338 (3p25 FANCD2 Alu-mediated recombination region; plus strand). Cytogenetic location: 3p25.3.
Variant type: single nucleotide variant.
Coding change: c.2732A>G on transcript NM_001018115.3 (MANE Select); coding-DNA position 2732, A replaced by G.
Protein change: p.Glu911Gly; replaces glutamic acid 911 with glycine.
Molecular consequence: missense variant.
Genome position (GRCh38, 1-based): chr3:10,074,546, A>G. VCF-style: chr3-10074546-A-G. GRCh37 (hg19) VCF-style: chr3-10116230-A-G.
Other names: c.2732A>G (NM_033084.4); c.2732A>G, p.Glu911Gly (NM_001319984.2, NM_001374254.1, NM_033084.6); c.2621A>G, p.Glu874Gly (NM_001374253.1); short protein forms E911G, E874G.
Identifiers: ClinVar variation 2165823 (VCV002165823.2), dbSNP rs1394161138, ClinGen allele CA351744077.

ClinVar aggregate classification (germline): Uncertain significance. Review status: criteria provided, multiple submitters, no conflicts (2 of 4 stars). 2 submissions from 2 submitters: Uncertain significance (2). Last evaluated 2024-06-04.

Conditions:
Fanconi anemia complementation group D2. Also called: FANCONI PANCYTOPENIA, TYPE 4; FANCONI ANEMIA, COMPLEMENTATION GROUP D; FANCD2-Related Fanconi Anemia. Identifiers: Orphanet 84, MedGen C3160738, MONDO:0009214, OMIM 227646.
Fanconi anemia (FA). Also called: Fanconi's anemia. Identifiers: Orphanet 84, MedGen C0015625, MeSH D005199, MONDO:0019391.

Allele frequency attached by ClinVar (database versions not stated): gnomAD 0.00001.

Submissions (2):

Fulgent Genetics
Classification: Uncertain significance for Fanconi anemia complementation group D2. Last evaluated: 2024-06-04. Review status: criteria provided, single submitter. Criteria: ACMG Guidelines, 2015. Collection method: clinical testing. Allele origin: germline.

Labcorp Genetics (formerly Invitae), Labcorp
Classification: Uncertain significance for Fanconi anemia. Last evaluated: 2022-10-20. Review status: criteria provided, single submitter. Criteria: Invitae Variant Classification Sherloc (09022015). Collection method: clinical testing. Allele origin: germline.
Comment: This sequence change replaces glutamic acid, which is acidic and polar, with glycine, which is neutral and non-polar, at codon 911 of the FANCD2 protein (p.Glu911Gly). This variant is not present in population databases (gnomAD no frequency). This variant has not been reported in the literature in individuals affected with FANCD2-related conditions. Advanced modeling of protein sequence and biophysical properties (such as structural, functional, and spatial information, amino acid conservation, physicochemical variation, residue mobility, and thermodynamic stability) performed at Invitae indicates that this missense variant is not expected to disrupt FANCD2 protein function. In summary, the available evidence is currently insufficient to determine the role of this variant in disease. Therefore, it has been classified as a Variant of Uncertain Significance.